The following is an entry in ClinVar:

ClinVar aggregate classification (germline): Uncertain significance (1 of 4 stars; one submission).

Submission:

Labcorp Genetics (formerly Invitae), Labcorp
Classification: Uncertain significance. Last evaluated: 2022-10-05. Review status: criteria provided, single submitter. Criteria: Invitae Variant Classification Sherloc (09022015). Collection method: clinical testing. Allele origin: germline.
Comment: In summary, the available evidence is currently insufficient to determine the role of this variant in disease. Therefore, it has been classified as a Variant of Uncertain Significance. Algorithms developed to predict the effect of missense changes on protein structure and function (SIFT, PolyPhen-2, Align-GVGD) all suggest that this variant is likely to be tolerated. This variant has not been reported in the literature in individuals affected with POMP-related conditions. This variant is not present in population databases (gnomAD no frequency). This sequence change replaces leucine, which is neutral and non-polar, with proline, which is neutral and non-polar, at codon 57 of the POMP protein (p.Leu57Pro).

NM_015932.6(POMP):c.170T>C (p.Leu57Pro)

Gene: POMP (proteasome maturation protein; plus strand). Cytogenetic location: 13q12.3.
Variant type: single nucleotide variant.
Coding change: c.170T>C on transcript NM_015932.6 (MANE Select); coding-DNA position 170, T replaced by C.
Protein change: p.Leu57Pro; replaces leucine 57 with proline.
Molecular consequence: missense variant.
Genome position (GRCh38, 1-based): chr13:28,668,480, T>C. VCF-style: chr13-28668480-T-C. GRCh37 (hg19) VCF-style: chr13-29242617-T-C.
Other names: short protein forms L57P.
Identifiers: ClinVar variation 1998452 (VCV001998452.4), dbSNP rs2541637712, ClinGen allele CA387802613.